The following is an entry in ClinVar:

NM_005689.4(ABCB6):c.1997T>C (p.Ile666Thr)

Gene: ABCB6 (ATP binding cassette subfamily B member 6 (LAN blood group); minus strand). Cytogenetic location: 2q35.
Variant type: single nucleotide variant.
Coding change: c.1997T>C on transcript NM_005689.4 (MANE Select); coding-DNA position 1997, T replaced by C.
Protein change: p.Ile666Thr; replaces isoleucine 666 with threonine.
Molecular consequence: missense variant.
Genome position (GRCh38, 1-based): chr2:219,211,080, A>G on the plus strand (T>C on the coding strand, the complement: ABCB6 is on the minus strand). VCF-style: chr2-219211080-A-G. GRCh37 (hg19) VCF-style: chr2-220075802-A-G.
Other names: c.1859T>C, p.Ile620Thr (NM_001349828.2); c.1997T>C (NM_005689.2); short protein forms I620T, I666T.
Identifiers: ClinVar variation 1976507 (VCV001976507.6), dbSNP rs1356916555, ClinGen allele CA350684939.

ClinVar aggregate classification (germline): Uncertain significance. Review status: criteria provided, multiple submitters, no conflicts (2 of 4 stars). 2 submissions from 2 submitters: Uncertain significance (2). Last evaluated 2025-08-10.

Conditions:
Inborn genetic diseases. Identifiers: MedGen C0950123, MeSH D030342.

Allele frequency attached by ClinVar (database versions not stated): gnomAD exomes below 0.00001; gnomAD 0.00001; TOPMed 0.00002.
gnomAD v4.1: 8 of 1,614,070 alleles (0.0005%); highest among the groups gnomAD compares: East Asian, 0.0022%; no homozygotes.

Submissions (2):

Ambry Genetics
Classification: Uncertain significance for Inborn genetic diseases. Last evaluated: 2025-08-10. Review status: criteria provided, single submitter. Criteria: Ambry Variant Classification Scheme 2023. Collection method: clinical testing. Allele origin: germline.

Labcorp Genetics (formerly Invitae), Labcorp
Classification: Uncertain significance. Last evaluated: 2022-06-07. Review status: criteria provided, single submitter. Criteria: Invitae Variant Classification Sherloc (09022015). Collection method: clinical testing. Allele origin: germline.
Comment: This variant is present in population databases (no rsID available, gnomAD 0.006%). This variant has not been reported in the literature in individuals affected with ABCB6-related conditions. Algorithms developed to predict the effect of missense changes on protein structure and function (SIFT, PolyPhen-2, Align-GVGD) all suggest that this variant is likely to be disruptive. In summary, the available evidence is currently insufficient to determine the role of this variant in disease. Therefore, it has been classified as a Variant of Uncertain Significance. This sequence change replaces isoleucine, which is neutral and non-polar, with threonine, which is neutral and polar, at codon 666 of the ABCB6 protein (p.Ile666Thr).